The following is an entry in ClinVar:

NM_006265.3(RAD21):c.1729G>A (p.Glu577Lys)

Gene: RAD21 (RAD21 cohesin complex component; minus strand). Cytogenetic location: 8q24.11.
Variant type: single nucleotide variant.
Coding change: c.1729G>A on transcript NM_006265.3 (MANE Select); coding-DNA position 1729, G replaced by A.
Protein change: p.Glu577Lys; replaces glutamic acid 577 with lysine.
Molecular consequence: missense variant.
Genome position (GRCh38, 1-based): chr8:116,847,667, C>T on the plus strand (G>A on the coding strand, the complement: RAD21 is on the minus strand). VCF-style: chr8-116847667-C-T. GRCh37 (hg19) VCF-style: chr8-117859906-C-T.
Other names: short protein forms E577K.
Identifiers: ClinVar variation 2802143 (VCV002802143.3), dbSNP rs2537283402, ClinGen allele CA371990561.

ClinVar aggregate classification (germline): Uncertain significance (1 of 4 stars; one submission).

Conditions:
Cornelia de Lange syndrome 4 (CDLS4). Also called: RAD21-Related Cornelia de Lange Syndrome; CORNELIA DE LANGE SYNDROME 4 WITH OR WITHOUT MIDLINE BRAIN DEFECTS. Identifiers: Orphanet 199, MedGen C3553517, MONDO:0013864, OMIM 614701.

Submission:

Labcorp Genetics (formerly Invitae), Labcorp
Classification: Uncertain significance for Cornelia de Lange syndrome 4. Last evaluated: 2022-11-04. Review status: criteria provided, single submitter. Criteria: Invitae Variant Classification Sherloc (09022015). Collection method: clinical testing. Allele origin: germline.
Comment: This variant is not present in population databases (gnomAD no frequency). In summary, the available evidence is currently insufficient to determine the role of this variant in disease. Therefore, it has been classified as a Variant of Uncertain Significance. Advanced modeling of protein sequence and biophysical properties (such as structural, functional, and spatial information, amino acid conservation, physicochemical variation, residue mobility, and thermodynamic stability) performed at Invitae indicates that this missense variant is not expected to disrupt RAD21 protein function. This variant has not been reported in the literature in individuals affected with RAD21-related conditions. This sequence change replaces glutamic acid, which is acidic and polar, with lysine, which is basic and polar, at codon 577 of the RAD21 protein (p.Glu577Lys).